The following is an entry in ClinVar:

NM_053013.4(ENO3):c.758G>A (p.Arg253His)

Gene: ENO3 (enolase 3; plus strand). Cytogenetic location: 17p13.2.
Variant type: single nucleotide variant.
Coding change: c.758G>A on transcript NM_053013.4 (MANE Select); coding-DNA position 758, G replaced by A.
Protein change: p.Arg253His; replaces arginine 253 with histidine.
Molecular consequence: missense variant.
Genome position (GRCh38, 1-based): chr17:4,955,497, G>A. VCF-style: chr17-4955497-G-A. GRCh37 (hg19) VCF-style: chr17-4858792-G-A.
Other names: c.629G>A, p.Arg210His (NM_001193503.2); c.758G>A, p.Arg253His (NM_001374523.1, NM_001976.5); c.785G>A, p.Arg262His (NM_001374524.1); c.758G>A (NM_053013.3); short protein forms R210H, R253H, R262H.
Identifiers: ClinVar variation 2186992 (VCV002186992.4), dbSNP rs772969351, ClinGen allele CA8316419.

ClinVar aggregate classification (germline): Uncertain significance. Review status: criteria provided, multiple submitters, no conflicts (2 of 4 stars). 2 submissions from 2 submitters: Uncertain significance (2). Last evaluated 2024-06-10.

Conditions:
Inborn genetic diseases. Identifiers: MedGen C0950123, MeSH D030342.
Glycogen storage disease due to muscle beta-enolase deficiency (GSD13). Also called: ENOLASE 3 DEFICIENCY; ENOLASE-BETA DEFICIENCY; GSD XIII; Glycogen Storage Disease Type XIII. Identifiers: Orphanet 99849, MedGen C2752027, MONDO:0013046, OMIM 612932.

Allele frequency attached by ClinVar (database versions not stated): TOPMed 0.00001.

Submissions (2):

Ambry Genetics
Classification: Uncertain significance for Inborn genetic diseases. Last evaluated: 2024-06-10. Review status: criteria provided, single submitter. Criteria: Ambry Variant Classification Scheme 2023. Collection method: clinical testing. Allele origin: germline.

Labcorp Genetics (formerly Invitae), Labcorp
Classification: Uncertain significance for Glycogen storage disease due to muscle beta-enolase deficiency. Last evaluated: 2023-07-19. Review status: criteria provided, single submitter. Criteria: Invitae Variant Classification Sherloc (09022015). Collection method: clinical testing. Allele origin: germline.
Comment: This variant has not been reported in the literature in individuals affected with ENO3-related conditions. This sequence change replaces arginine, which is basic and polar, with histidine, which is basic and polar, at codon 253 of the ENO3 protein (p.Arg253His). This variant is present in population databases (rs772969351, gnomAD 0.008%). ClinVar contains an entry for this variant (Variation ID: 2186992). Advanced modeling of protein sequence and biophysical properties (such as structural, functional, and spatial information, amino acid conservation, physicochemical variation, residue mobility, and thermodynamic stability) performed at Invitae indicates that this missense variant is not expected to disrupt ENO3 protein function. In summary, the available evidence is currently insufficient to determine the role of this variant in disease. Therefore, it has been classified as a Variant of Uncertain Significance.